The following is an entry in ClinVar:

NM_032776.3(JMJD1C):c.793C>T (p.Arg265Cys)

Gene: JMJD1C (jumonji domain containing 1C; minus strand). Cytogenetic location: 10q21.3.
Variant type: single nucleotide variant.
Coding change: c.793C>T on transcript NM_032776.3 (MANE Select); coding-DNA position 793, C replaced by T.
Protein change: p.Arg265Cys; replaces arginine 265 with cysteine.
Molecular consequence: missense variant. On other transcripts: 5 prime UTR variant (1), non-coding transcript variant (1).
Genome position (GRCh38, 1-based): chr10:63,215,582, G>A on the plus strand (C>T on the coding strand, the complement: JMJD1C is on the minus strand). VCF-style: chr10-63215582-G-A. GRCh37 (hg19) VCF-style: chr10-64975342-G-A.
Other names: c.247C>T, p.Arg83Cys (NM_001282948.2, NM_001318154.2); c.-76C>T (NM_001318153.2); c.679C>T, p.Arg227Cys (NM_001322252.2); c.136C>T, p.Arg46Cys (NM_001322254.2, NM_001322258.2); c.793C>T (NM_032776.1); short protein forms R227C, R265C, R46C, R83C.
Identifiers: ClinVar variation 659186 (VCV000659186.11), dbSNP rs200945568, ClinGen allele CA5518958.

ClinVar aggregate classification (germline): Uncertain significance. Review status: criteria provided, multiple submitters, no conflicts (2 of 4 stars). 3 submissions from 3 submitters: Uncertain significance (3). Last evaluated 2025-06-24.

Conditions:
Early Myoclonic Encephalopathy. Identifiers: MedGen C0270855.

Allele frequency attached by ClinVar (database versions not stated): TOPMed 0.00010; gnomAD 0.00006 and 0.00005; gnomAD exomes 0.00008; ExAC 0.00010; ESP Exome Variant Server 0.00017.
gnomAD v4.1: 131 of 1,610,234 alleles (0.0081%); highest among the groups gnomAD compares: Admixed American, 0.02%; no homozygotes.

Submissions (3):

Labcorp Genetics (formerly Invitae), Labcorp
Classification: Uncertain significance for Early Myoclonic Encephalopathy. Last evaluated: 2025-06-24. Review status: criteria provided, single submitter. Criteria: Invitae Variant Classification Sherloc (09022015). Collection method: clinical testing. Allele origin: germline.
Comment: This sequence change replaces arginine, which is basic and polar, with cysteine, which is neutral and slightly polar, at codon 265 of the JMJD1C protein (p.Arg265Cys). This variant is present in population databases (rs200945568, gnomAD 0.01%). This variant has not been reported in the literature in individuals affected with JMJD1C-related conditions. ClinVar contains an entry for this variant (Variation ID: 659186). An algorithm developed to predict the effect of missense changes on protein structure and function outputs the following: PolyPhen-2: "Benign". The cysteine amino acid residue is found in multiple mammalian species, which suggests that this missense change does not adversely affect protein function. In summary, the available evidence is currently insufficient to determine the role of this variant in disease. Therefore, it has been classified as a Variant of Uncertain Significance.

Ambry Genetics
Classification: Uncertain significance. Last evaluated: 2023-12-27. Review status: criteria provided, single submitter. Criteria: Ambry Variant Classification Scheme 2023. Collection method: clinical testing. Allele origin: germline.

Revvity Omics, Revvity
Classification: Uncertain significance. Last evaluated: 2023-05-23. Review status: criteria provided, single submitter. Criteria: ACMG Guidelines, 2015. Collection method: clinical testing. Allele origin: germline.